The following is an entry in ClinVar:

NM_032043.3(BRIP1):c.2313_2319del (p.Phe771fs)

Gene: BRIP1 (BRCA1 interacting DNA helicase 1; minus strand). Cytogenetic location: 17q23.2.
Variant type: Deletion.
Coding change: c.2313_2319del on transcript NM_032043.3 (MANE Select); coding-DNA positions 2313 to 2319, 7 bases deleted (CTCAGAT; older notation c.2313_2319delCTCAGAT).
Protein change: p.Phe771fs; shifts the reading frame from phenylalanine 771.
Molecular consequence: frameshift variant.
Genome position (GRCh38, 1-based): chr17:61,743,073-61,743,079, ATCTGAG deleted on the plus strand (CTCAGAT on the coding strand, the reverse complement: BRIP1 is on the minus strand); deleting any 7 consecutive bases within chr17:61,743,073-61,743,080 gives the same sequence; the c. name uses the placement nearest the transcript's 3' end. VCF-style (leftmost placement, unchanged base first): chr17-61743072-CATCTGAG-C. GRCh37 (hg19) VCF-style: chr17-59820433-CATCTGAG-C.
Other names: short protein forms F771fs.
Identifiers: ClinVar variation 1421461 (VCV001421461.11), dbSNP rs758128094, ClinGen allele CA8690552.

ClinVar aggregate classification (germline): Pathogenic. Review status: criteria provided, multiple submitters, no conflicts (2 of 4 stars). 3 submissions from 3 submitters: Pathogenic (3). Last evaluated 2025-09-25.

Conditions:
Familial cancer of breast. Also called: BREAST CANCER, FAMILIAL; hereditary breast carcinoma; Hereditary breast cancer. Identifiers: Orphanet 227535, MedGen C0346153, MONDO:0016419, OMIM 114480. Disease mechanism: loss of function.
Fanconi anemia complementation group J. Also called: BRIP1-Related Fanconi Anemia. Identifiers: Orphanet 84, MedGen C1836860, MONDO:0012187, OMIM 609054.
Hereditary cancer-predisposing syndrome. Also called: Hereditary neoplastic syndrome; Tumor predisposition; Hereditary Cancer Syndrome; Neoplastic Syndromes, Hereditary. Identifiers: Orphanet 140162, MedGen C0027672, MeSH D009386, MONDO:0015356.

Submissions (3):

Ambry Genetics
Classification: Pathogenic for Hereditary cancer-predisposing syndrome. Last evaluated: 2025-09-25. Review status: criteria provided, single submitter. Criteria: Ambry Variant Classification Scheme 2023. Collection method: clinical testing. Allele origin: germline.
Comment: The c.2313_2319delCTCAGAT pathogenic mutation, located in coding exon 15 of the BRIP1 gene, results from a deletion of 7 nucleotides at nucleotide positions 2313 to 2319, causing a translational frameshift with a predicted alternate stop codon (p.F771Lfs*8). This alteration is expected to result in loss of function by premature protein truncation or nonsense-mediated mRNA decay. As such, this alteration is interpreted as a disease-causing mutation.

Labcorp Genetics (formerly Invitae), Labcorp
Classification: Pathogenic for Familial cancer of breast; Fanconi anemia complementation group J. Last evaluated: 2024-04-16. Review status: criteria provided, single submitter. Criteria: Invitae Variant Classification Sherloc (09022015). Collection method: clinical testing. Allele origin: germline.
Comment: This sequence change creates a premature translational stop signal (p.Phe771Leufs*8) in the BRIP1 gene. It is expected to result in an absent or disrupted protein product. Loss-of-function variants in BRIP1 are known to be pathogenic (PMID: 16116423, 17033622, 21964575). This variant is not present in population databases (gnomAD no frequency). This variant has not been reported in the literature in individuals affected with BRIP1-related conditions. ClinVar contains an entry for this variant (Variation ID: 1421461). Algorithms developed to predict the effect of sequence changes on RNA splicing suggest that this variant may disrupt the consensus splice site. For these reasons, this variant has been classified as Pathogenic.

Myriad Genetics, Inc.
Classification: Pathogenic for Familial cancer of breast. Last evaluated: 2023-06-06. Review status: criteria provided, single submitter. Criteria: Myriad Autosomal Dominant, Autosomal Recessive and X-Linked Classification Criteria (2023). Collection method: clinical testing. Allele origin: unknown.
Comment: This variant is considered pathogenic. This variant creates a frameshift predicted to result in premature protein truncation.

Literature cited by the submitters: PubMed 16116423 (cited by Labcorp Genetics (formerly Invitae), Labcorp); PubMed 17033622 (cited by Labcorp Genetics (formerly Invitae), Labcorp); PubMed 21964575 (cited by Labcorp Genetics (formerly Invitae), Labcorp).